The following is an entry in ClinVar:

ClinVar aggregate classification (germline): Uncertain significance (1 of 4 stars; one submission).

Conditions:
Orofaciodigital syndrome type 14. Also called: Orofaciodigital syndrome xiv. Identifiers: Orphanet 434179, MedGen C4706604, MONDO:0014413, OMIM 615948.

Submission:

Centre for Mendelian Genomics, University Medical Centre Ljubljana
Classification: Uncertain significance for Orofaciodigital syndrome type 14. Last evaluated: 2019-05-07. Review status: criteria provided, single submitter. Criteria: ACMG Guidelines, 2015. Collection method: clinical testing. Allele origin: unknown. Affected: yes.
Comment: This variant was classified as: Uncertain significance. The available evidence on this variant's pathogenicity is insufficient or conflicting. The following ACMG criteria were applied in classifying this variant: PM2.

NM_001286577.2(C2CD3):c.2220G>A (p.Met740Ile)

Gene: C2CD3 (C2 domain containing 3 centriole elongation regulator; minus strand). Cytogenetic location: 11q13.4.
Variant type: single nucleotide variant.
Coding change: c.2220G>A on transcript NM_001286577.2 (MANE Select); coding-DNA position 2220, G replaced by A.
Protein change: p.Met740Ile; replaces methionine 740 with isoleucine.
Molecular consequence: missense variant.
Genome position (GRCh38, 1-based): chr11:74,103,491, C>T on the plus strand (G>A on the coding strand, the complement: C2CD3 is on the minus strand). VCF-style: chr11-74103491-C-T. GRCh37 (hg19) VCF-style: chr11-73814536-C-T.
Other names: c.2220G>A, p.Met740Ile (NM_015531.6); short protein forms M740I.
Identifiers: ClinVar variation 931443 (VCV000931443.3), dbSNP rs1956396903, ClinGen allele CA381833148.